The following is an entry in ClinVar:

ClinVar aggregate classification (germline): Uncertain significance. Review status: criteria provided, multiple submitters, no conflicts (2 of 4 stars). 3 submissions from 3 submitters: Uncertain significance (3). Last evaluated 2025-09-22.

Allele frequency attached by ClinVar (database versions not stated): ExAC 0.00007; ESP Exome Variant Server 0.00008; gnomAD exomes 0.00010 and 0.00019; gnomAD 0.00014 and 0.00015; TOPMed 0.00014.
gnomAD v4.1: 296 of 1,613,890 alleles (0.018%); highest among the groups gnomAD compares: Non-Finnish European, 0.023%; no homozygotes.

Submissions (3):

Ambry Genetics
Classification: Uncertain significance. Last evaluated: 2025-09-22. Review status: criteria provided, single submitter. Criteria: Ambry Variant Classification Scheme 2023. Collection method: clinical testing. Allele origin: germline.

Blueprint Genetics
Classification: Uncertain significance. Last evaluated: 2024-05-23. Review status: criteria provided, single submitter. Criteria: ACMG Guidelines, 2015. Collection method: clinical testing. Allele origin: germline.

Labcorp Genetics (formerly Invitae), Labcorp
Classification: Uncertain significance. Last evaluated: 2022-09-27. Review status: criteria provided, single submitter. Criteria: Invitae Variant Classification Sherloc (09022015). Collection method: clinical testing. Allele origin: germline.
Comment: This sequence change replaces asparagine, which is neutral and polar, with serine, which is neutral and polar, at codon 271 of the IDH3B protein (p.Asn271Ser). This variant is present in population databases (rs141344025, gnomAD 0.01%). This variant has not been reported in the literature in individuals affected with IDH3B-related conditions. ClinVar contains an entry for this variant (Variation ID: 965225). Advanced modeling of protein sequence and biophysical properties (such as structural, functional, and spatial information, amino acid conservation, physicochemical variation, residue mobility, and thermodynamic stability) performed at Invitae indicates that this missense variant is not expected to disrupt IDH3B protein function. In summary, the available evidence is currently insufficient to determine the role of this variant in disease. Therefore, it has been classified as a Variant of Uncertain Significance.

NM_006899.5(IDH3B):c.812A>G (p.Asn271Ser)

Gene: IDH3B (isocitrate dehydrogenase (NAD(+)) 3 non-catalytic subunit beta; minus strand). Cytogenetic location: 20p13.
Variant type: single nucleotide variant.
Coding change: c.812A>G on transcript NM_006899.5 (MANE Select); coding-DNA position 812, A replaced by G.
Protein change: p.Asn271Ser; replaces asparagine 271 with serine.
Molecular consequence: missense variant. On other transcripts: non-coding transcript variant (1).
Genome position (GRCh38, 1-based): chr20:2,660,133, T>C on the plus strand (A>G on the coding strand, the complement: IDH3B is on the minus strand). VCF-style: chr20-2660133-T-C. GRCh37 (hg19) VCF-style: chr20-2640779-T-C.
Other names: c.812A>G, p.Asn271Ser (NM_001258384.3, NM_001330763.2, NM_174855.4); c.812A>G (NM_006899.2); short protein forms N271S.
Identifiers: ClinVar variation 965225 (VCV000965225.7), dbSNP rs141344025, ClinGen allele CA9735167.